The following is an entry in ClinVar:

ClinVar aggregate classification (germline): Uncertain significance (1 of 4 stars; one submission).

Submission:

CeGaT Center for Human Genetics Tuebingen
Classification: Uncertain significance. Last evaluated: 2024-03-01. Review status: criteria provided, single submitter. Criteria: CeGaT Center For Human Genetics Tuebingen Variant Classification Criteria Version 2. Collection method: clinical testing. Allele origin: germline. Affected: yes. Observed: 2 variant alleles.
Comment: TOM1: PM2, BP4

NM_005488.3(TOM1):c.138-6C>T

Gene: TOM1 (target of myb1 membrane trafficking protein; plus strand). Cytogenetic location: 22q12.3.
Variant type: single nucleotide variant.
Coding change: c.138-6C>T on transcript NM_005488.3 (MANE Select); 6 bases into the intron before coding-DNA position 138, C replaced by T.
Molecular consequence: intron variant.
Genome position (GRCh38, 1-based): chr22:35,321,953, C>T. VCF-style: chr22-35321953-C-T. GRCh37 (hg19) VCF-style: chr22-35717946-C-T.
Other names: c.39-6C>T (NM_001135729.2); c.138-6C>T (NM_001135732.2, NM_001135730.2).
Identifiers: ClinVar variation 3067596 (VCV003067596.21), dbSNP rs2517741938, ClinGen allele CA2825002881.